The following is an entry in ClinVar:

NM_022047.4(DEF6):c.1171G>T (p.Glu391Ter)

Gene: DEF6 (DEF6 guanine nucleotide exchange factor; plus strand). Cytogenetic location: 6p21.31.
Variant type: single nucleotide variant.
Coding change: c.1171G>T on transcript NM_022047.4 (MANE Select); coding-DNA position 1171, G replaced by T.
Protein change: p.Glu391Ter; replaces glutamic acid 391 with a stop codon.
Molecular consequence: nonsense.
Genome position (GRCh38, 1-based): chr6:35,318,427, G>T. VCF-style: chr6-35318427-G-T. GRCh37 (hg19) VCF-style: chr6-35286204-G-T.
Other names: short protein forms E391*.
Identifiers: ClinVar variation 2785010 (VCV002785010.3), dbSNP rs2534189976, ClinGen allele CA363767198.

ClinVar aggregate classification (germline): Pathogenic (1 of 4 stars; one submission).

gnomAD v4.1: 1 of 1,506,082 alleles (0.000066%); highest among the groups gnomAD compares: Non-Finnish European, 0.000088%; no homozygotes.

Submission:

Labcorp Genetics (formerly Invitae), Labcorp
Classification: Pathogenic. Last evaluated: 2023-12-19. Review status: criteria provided, single submitter. Criteria: Invitae Variant Classification Sherloc (09022015). Collection method: clinical testing. Allele origin: germline.
Comment: This sequence change creates a premature translational stop signal (p.Glu391*) in the DEF6 gene. It is expected to result in an absent or disrupted protein product. Loss-of-function variants in DEF6 are known to be pathogenic (PMID: 16470246, 32562707). This variant is not present in population databases (gnomAD no frequency). This variant has not been reported in the literature in individuals affected with DEF6-related conditions. For these reasons, this variant has been classified as Pathogenic.

Literature cited by the submitters: PubMed 16470246; PubMed 32562707.